The following is an entry in ClinVar:

NM_000660.7(TGFB1):c.1015-8G>A

Gene: TGFB1 (transforming growth factor beta 1; minus strand). Cytogenetic location: 19q13.2.
Variant type: single nucleotide variant.
Coding change: c.1015-8G>A on transcript NM_000660.7 (MANE Select); 8 bases into the intron before coding-DNA position 1015, G replaced by A.
Molecular consequence: intron variant.
Genome position (GRCh38, 1-based): chr19:41,331,218, C>T on the plus strand (G>A on the coding strand, the complement: TGFB1 is on the minus strand). VCF-style: chr19-41331218-C-T. GRCh37 (hg19) VCF-style: chr19-41837123-C-T.
Other names: c.1015-8G>A (NM_000660.6).
Identifiers: ClinVar variation 1166673 (VCV001166673.11), dbSNP rs199982059, ClinGen allele CA9459906.
Genomic context (GRCh38, chr19:41,331,218, plus strand): 5'-CAGCACGGCGCCGCCGAGGCGCCCGGGTTATGCTGGTTGTACAGGGCCAGGACCTGCGGG[C>T]GGCGGGCGGGGTCAGGGCTCAGGGCTCGTGGAGGGAGGAAAACGGCCCTCCACTGCCCCA-3'

ClinVar aggregate classification (germline): Benign/Likely benign. Review status: criteria provided, multiple submitters, no conflicts (2 of 4 stars). 3 submissions from 3 submitters: Benign (1); Likely benign (2). Last evaluated 2026-01-24.

Conditions:
TGFB1-related disorder. Also called: TGFB1-related condition.

Allele frequency attached by ClinVar (database versions not stated): gnomAD 0.00018 and 0.00023; TOPMed 0.00028; ExAC 0.00061; gnomAD exomes 0.00062; 1000 Genomes Project 0.00120; 1000 Genomes Project 30x 0.00125.
gnomAD v4.1: 254 of 1,508,234 alleles (0.017%); highest among the groups gnomAD compares: East Asian, 0.55%; 1 homozygote.

Submissions (3):

Labcorp Genetics (formerly Invitae), Labcorp
Classification: Benign. Last evaluated: 2026-01-24. Review status: criteria provided, single submitter. Criteria: Invitae Variant Classification Sherloc (09022015). Collection method: clinical testing. Allele origin: germline.

PreventionGenetics, part of Exact Sciences
Classification: Likely benign for TGFB1-related condition. Last evaluated: 2024-12-19. Review status: criteria provided, single submitter. Criteria: ACMG Guidelines, 2015. Collection method: clinical testing. Allele origin: germline.
Comment: This variant is classified as likely benign based on ACMG/AMP sequence variant interpretation guidelines (Richards et al. 2015 PMID: 25741868, with internal and published modifications).

Blueprint Genetics
Classification: Likely benign. Last evaluated: 2023-09-27. Review status: criteria provided, single submitter. Criteria: ACMG Guidelines, 2015. Collection method: clinical testing. Allele origin: germline.